The following is an entry in ClinVar:

NM_015346.4(ZFYVE26):c.3935C>A (p.Ser1312Ter)

Gene: ZFYVE26 (zinc finger FYVE-type containing 26; minus strand). Cytogenetic location: 14q24.1.
Variant type: single nucleotide variant.
Coding change: c.3935C>A on transcript NM_015346.4 (MANE Select); coding-DNA position 3935, C replaced by A.
Protein change: p.Ser1312Ter; replaces serine 1312 with a stop codon.
Molecular consequence: nonsense.
Genome position (GRCh38, 1-based): chr14:67,783,217, G>T on the plus strand (C>A on the coding strand, the complement: ZFYVE26 is on the minus strand). VCF-style: chr14-67783217-G-T. GRCh37 (hg19) VCF-style: chr14-68249934-G-T.
Other names: short protein forms S1312*.
Identifiers: ClinVar variation 225014 (VCV000225014.11), dbSNP rs752283089, ClinGen allele CA357985.

ClinVar aggregate classification (germline): Pathogenic. Review status: criteria provided, multiple submitters, no conflicts (2 of 4 stars). 2 submissions from 2 submitters: Pathogenic (2). Last evaluated 2023-08-03.

Conditions:
Inborn genetic diseases. Identifiers: MedGen C0950123, MeSH D030342.
Spastic paraplegia. Identifiers: MedGen C0037772, HP:0001258.

Allele frequency attached by ClinVar (database versions not stated): gnomAD exomes below 0.00001; ExAC 0.00001.

Submissions (2):

Labcorp Genetics (formerly Invitae), Labcorp
Classification: Pathogenic for Spastic paraplegia. Last evaluated: 2023-08-03. Review status: criteria provided, single submitter. Criteria: Invitae Variant Classification Sherloc (09022015). Collection method: clinical testing. Allele origin: germline.
Comment: This sequence change creates a premature translational stop signal (p.Ser1312*) in the ZFYVE26 gene. It is expected to result in an absent or disrupted protein product. Loss-of-function variants in ZFYVE26 are known to be pathogenic (PMID: 18394578, 19805727). This variant is present in population databases (rs752283089, gnomAD 0.0009%). This premature translational stop signal has been observed in individuals with hereditary spastic paraplegia (PMID: 24030950, 24833714). ClinVar contains an entry for this variant (Variation ID: 225014). For these reasons, this variant has been classified as Pathogenic.

Ambry Genetics
Classification: Pathogenic for Inborn genetic diseases. Last evaluated: 2014-07-07. Review status: criteria provided, single submitter. Criteria: Ambry General Variant Classification Scheme_2022. Collection method: clinical testing. Allele origin: germline. Observed: 1 variant allele.
Comment: The c.3935C>A (p.S1312*) alteration, located in exon 21 (coding exon 20) of the ZFYVE26 gene, consists of a C to A substitution at nucleotide position 3935. This changes the amino acid from a serine (S) to a stop codon at amino acid position 1312. Premature stop codons are typically deleterious in nature (Richards, 2015). Based on data from the NHLBI Exome Sequencing Project (ESP), the c.3935C>A alteration was not observed among 6,503 individuals tested (0.0%). Allele frequency data for this nucleotide position are not currently available from the 1000 Genomes Project and the alteration is not currently listed in the Database of Single Nucleotide Polymorphisms (dbSNP). Though some variants may appear to be rare due to database-specific ethnic underrepresentation, rare missense alleles commonly exhibit a deleterious effect on protein function (Kryukov, 2007; Tennessen, 2012). IF USED, PULL THESE INTO REFERENCES: Kryukov GV, et al. (2007) Am J Hum Genet 80:727-739. Tennessen JA, et al. (2012) Science 337(64):64-69. Based on the available evidence, this alteration is classified as pathogenic.

Literature cited by the submitters: PubMed 18394578 (cited by Labcorp Genetics (formerly Invitae), Labcorp); PubMed 19805727 (cited by Labcorp Genetics (formerly Invitae), Labcorp); PubMed 24030950 (cited by Labcorp Genetics (formerly Invitae), Labcorp); PubMed 24833714 (cited by Labcorp Genetics (formerly Invitae), Labcorp).